The following is an entry in ClinVar:

ClinVar aggregate classification (germline): Likely benign (1 of 4 stars; one submission).

Allele frequency attached by ClinVar (database versions not stated): 1000 Genomes Project 0.00060; 1000 Genomes Project 30x 0.00109; TOPMed 0.00332; ESP Exome Variant Server 0.00350; gnomAD 0.00497.
gnomAD v4.1: 8,868 of 1,612,720 alleles (0.55%); highest among the groups gnomAD compares: Non-Finnish European, 0.63%; 38 homozygotes.

Submission:

CeGaT Center for Human Genetics Tuebingen
Classification: Likely benign. Last evaluated: 2025-04-01. Review status: criteria provided, single submitter. Criteria: CeGaT Center For Human Genetics Tuebingen Variant Classification Criteria Version 2. Collection method: clinical testing. Allele origin: germline. Affected: yes. Observed: 2 variant alleles.
Comment: TCHH: BP4, BS2

NM_007113.4(TCHH):c.4061G>C (p.Arg1354Pro)

Gene: TCHH (trichohyalin; minus strand). Cytogenetic location: 1q21.3.
Variant type: single nucleotide variant.
Coding change: c.4061G>C on transcript NM_007113.4 (MANE Select); coding-DNA position 4061, G replaced by C.
Protein change: p.Arg1354Pro; replaces arginine 1354 with proline.
Molecular consequence: missense variant.
Genome position (GRCh38, 1-based): chr1:152,109,156, C>G on the plus strand (G>C on the coding strand, the complement: TCHH is on the minus strand). VCF-style: chr1-152109156-C-G. GRCh37 (hg19) VCF-style: chr1-152081632-C-G.
Other names: short protein forms R1354P.
Identifiers: ClinVar variation 2639186 (VCV002639186.24), dbSNP rs2496251, ClinGen allele CA1098035.